The following is an entry in ClinVar:

ClinVar aggregate classification (germline): Uncertain significance (1 of 4 stars; one submission).

Conditions:
Inborn genetic diseases. Identifiers: MedGen C0950123, MeSH D030342.

Submission:

Ambry Genetics
Classification: Uncertain significance for Inborn genetic diseases. Last evaluated: 2025-06-07. Review status: criteria provided, single submitter. Criteria: Ambry Variant Classification Scheme 2023. Collection method: clinical testing. Allele origin: germline.
Comment: The p.S181R variant (also known as c.543C>G), located in coding exon 2 of the LTBP3 gene, results from a C to G substitution at nucleotide position 543. The serine at codon 181 is replaced by arginine, an amino acid with dissimilar properties. This amino acid position is conserved. In addition, the in silico prediction for this alteration is inconclusive. Based on the available evidence, the clinical significance of this variant remains unclear.

NM_001130144.3(LTBP3):c.543C>G (p.Ser181Arg)

Gene: LTBP3 (latent transforming growth factor beta binding protein 3; minus strand). Cytogenetic location: 11q13.1.
Variant type: single nucleotide variant.
Coding change: c.543C>G on transcript NM_001130144.3 (MANE Select); coding-DNA position 543, C replaced by G.
Protein change: p.Ser181Arg; replaces serine 181 with arginine.
Molecular consequence: missense variant.
Genome position (GRCh38, 1-based): chr11:65,554,169, G>C on the plus strand (C>G on the coding strand, the complement: LTBP3 is on the minus strand). VCF-style: chr11-65554169-G-C. GRCh37 (hg19) VCF-style: chr11-65321640-G-C.
Other names: c.192C>G, p.Ser64Arg (NM_001164266.1); c.543C>G, p.Ser181Arg (NM_021070.4); short protein forms S181R, S64R.
Identifiers: ClinVar variation 4049889 (VCV004049889.1).